The following is an entry in ClinVar:

NM_004360.5(CDH1):c.478C>T (p.Pro160Ser)

Gene: CDH1 (cadherin 1; plus strand). Cytogenetic location: 16q22.1.
Variant type: single nucleotide variant.
Coding change: c.478C>T on transcript NM_004360.5 (MANE Select); coding-DNA position 478, C replaced by T.
Protein change: p.Pro160Ser; replaces proline 160 with serine.
Molecular consequence: missense variant. On other transcripts: 5 prime UTR variant (2).
Genome position (GRCh38, 1-based): chr16:68,808,514, C>T. VCF-style: chr16-68808514-C-T. GRCh37 (hg19) VCF-style: chr16-68842417-C-T.
Other names: c.478C>T, p.Pro160Ser (NM_001317184.2); c.-1138C>T (NM_001317185.2); c.-1342C>T (NM_001317186.2); short protein forms P160S.
Identifiers: ClinVar variation 1743091 (VCV001743091.2), dbSNP rs2152129743, ClinGen allele CA396457705.

ClinVar aggregate classification (germline): Uncertain significance (1 of 4 stars; one submission).

Conditions:
Hereditary cancer-predisposing syndrome. Also called: Hereditary Cancer Syndrome; Neoplastic Syndromes, Hereditary; Tumor predisposition; Hereditary neoplastic syndrome. Identifiers: Orphanet 140162, MedGen C0027672, MeSH D009386, MONDO:0015356.

Submission:

Ambry Genetics
Classification: Uncertain significance for Hereditary cancer-predisposing syndrome. Last evaluated: 2021-12-20. Review status: criteria provided, single submitter. Criteria: Ambry Variant Classification Scheme 2023. Collection method: clinical testing. Allele origin: germline.
Comment: The p.P160S variant (also known as c.478C>T), located in coding exon 4 of the CDH1 gene, results from a C to T substitution at nucleotide position 478. The proline at codon 160 is replaced by serine, an amino acid with similar properties. This amino acid position is highly conserved in available vertebrate species. In addition, the in silico prediction for this alteration is inconclusive. Since supporting evidence is limited at this time, the clinical significance of this alteration remains unclear.